The following is an entry in ClinVar:

NM_005477.3(HCN4):c.1187G>A (p.Arg396Gln)

Genes: HCN4 (hyperpolarization activated cyclic nucleotide gated potassium channel 4; minus strand), LOC105370890 (uncharacterized LOC105370890; plus strand). Cytogenetic location: 15q24.1.
Variant type: single nucleotide variant.
Coding change: c.1187G>A on transcript NM_005477.3 (MANE Select); coding-DNA position 1187, G replaced by A.
Protein change: p.Arg396Gln; replaces arginine 396 with glutamine.
Molecular consequence: missense variant. On other transcripts: non-coding transcript variant (1).
Genome position (GRCh38, 1-based): chr15:73,343,407, C>T on the plus strand (G>A on the coding strand, the complement: HCN4 is on the minus strand). VCF-style: chr15-73343407-C-T. GRCh37 (hg19) VCF-style: chr15-73635748-C-T.
Other names: short protein forms R396Q.
Identifiers: ClinVar variation 4709586 (VCV004709586.1).

ClinVar aggregate classification (germline): Uncertain significance (1 of 4 stars; one submission).

Conditions:
Brugada syndrome 8 (BRGDA8). Identifiers: Orphanet 130, MedGen C2751083, MONDO:0013148, OMIM 613123.

Submission:

Labcorp Genetics (formerly Invitae), Labcorp
Classification: Uncertain significance for Brugada syndrome 8. Last evaluated: 2026-01-26. Review status: criteria provided, single submitter. Criteria: Invitae Variant Classification Sherloc (09022015). Collection method: clinical testing. Allele origin: germline.
Comment: This sequence change replaces arginine, which is basic and polar, with glutamine, which is neutral and polar, at codon 396 of the HCN4 protein (p.Arg396Gln). This variant is not present in population databases (gnomAD no frequency). This variant has not been reported in the literature in individuals affected with HCN4-related conditions. Invitae Evidence Modeling of protein sequence and biophysical properties (such as structural, functional, and spatial information, amino acid conservation, physicochemical variation, residue mobility, and thermodynamic stability) indicates that this missense variant is expected to disrupt HCN4 protein function with a positive predictive value of 95%. In summary, the available evidence is currently insufficient to determine the role of this variant in disease. Therefore, it has been classified as a Variant of Uncertain Significance.